The following is an entry in ClinVar:

NM_000051.4(ATM):c.8621A>G (p.Gln2874Arg)

Genes: ATM (ATM serine/threonine kinase; plus strand), C11orf65 (chromosome 11 open reading frame 65; minus strand). Cytogenetic location: 11q22.3.
Variant type: single nucleotide variant.
Coding change: c.8621A>G on transcript NM_000051.4 (MANE Select); coding-DNA position 8621, A replaced by G.
Protein change: p.Gln2874Arg; replaces glutamine 2874 with arginine.
Molecular consequence: missense variant. On other transcripts: intron variant (2).
Genome position (GRCh38, 1-based): chr11:108,347,315, A>G. VCF-style: chr11-108347315-A-G. GRCh37 (hg19) VCF-style: chr11-108218042-A-G.
Other names: c.8621A>G, p.Gln2874Arg (NM_001351834.2); c.641-38244T>C (NM_001330368.2); c.695-12023T>C (NM_001351110.2); short protein forms Q2874R.
Identifiers: ClinVar variation 628337 (VCV000628337.12), dbSNP rs1565567144, ClinGen allele CA382520736.
Genomic context (GRCh38, chr11:108,347,315, plus strand): 5'-ATTGTTTGTTTCTTTTTTCTCCAGTTGGTTACATACTTGGACTTGGTGATAGACATGTAC[A>G]GAATATCTTGATAAATGAGCAGTCAGCAGAACTTGTACATATAGATCTAGGTAAGTAATA-3'
Protein context (NP_000042.3, residues 2864-2884): YILGLGDRHV[Gln2874Arg]NILINEQSAE

ClinVar aggregate classification (germline): Uncertain significance. Review status: criteria provided, multiple submitters, no conflicts (2 of 4 stars). 2 submissions from 2 submitters: Uncertain significance (2). Last evaluated 2023-12-05.

Conditions:
Hereditary cancer-predisposing syndrome. Also called: Tumor predisposition; Hereditary neoplastic syndrome; Neoplastic Syndromes, Hereditary; Hereditary Cancer Syndrome. Identifiers: Orphanet 140162, MedGen C0027672, MeSH D009386, MONDO:0015356.
Ataxia-telangiectasia syndrome (AT). Also called: Ataxia-telangiectasia, complementation group D; AT, COMPLEMENTATION GROUP C; ATAXIA-TELANGIECTASIA, COMPLEMENTATION GROUP A; ATAXIA-TELANGIECTASIA, FRESNO VARIANT; Ataxia-telangiectasia; LOUIS-BAR SYNDROME. Identifiers: Orphanet 100, MedGen C0004135, MONDO:0008840, OMIM 208900.

Submissions (2):

Color Diagnostics, LLC DBA Color Health
Classification: Uncertain significance for Hereditary cancer-predisposing syndrome. Last evaluated: 2023-12-05. Review status: criteria provided, single submitter. Criteria: ACMG Guidelines, 2015. Collection method: clinical testing. Allele origin: germline.
Comment: This missense variant replaces glutamine with arginine at codon 2874 of the ATM protein. Computational prediction suggests that this variant may have deleterious impact on protein structure and function (internally defined REVEL score threshold >= 0.7, PMID: 27666373). To our knowledge, functional studies have not been reported for this variant. This variant has not been reported in individuals affected with ATM-related disorders in the literature. This variant has not been identified in the general population by the Genome Aggregation Database (gnomAD). The available evidence is insufficient to determine the role of this variant in disease conclusively. Therefore, this variant is classified as a Variant of Uncertain Significance.

Labcorp Genetics (formerly Invitae), Labcorp
Classification: Uncertain significance for Ataxia-telangiectasia syndrome. Last evaluated: 2021-04-05. Review status: criteria provided, single submitter. Criteria: Invitae Variant Classification Sherloc (09022015). Collection method: clinical testing. Allele origin: germline.
Comment: This variant is not present in population databases (ExAC no frequency). In summary, the available evidence is currently insufficient to determine the role of this variant in disease. Therefore, it has been classified as a Variant of Uncertain Significance. Advanced modeling of protein sequence and biophysical properties (such as structural, functional, and spatial information, amino acid conservation, physicochemical variation, residue mobility, and thermodynamic stability) performed at Invitae indicates that this missense variant is expected to disrupt ATM protein function. This variant has not been reported in the literature in individuals with ATM-related conditions. ClinVar contains an entry for this variant (Variation ID: 628337). This sequence change replaces glutamine with arginine at codon 2874 of the ATM protein (p.Gln2874Arg). The glutamine residue is highly conserved and there is a small physicochemical difference between glutamine and arginine.